The following is an entry in ClinVar:

ClinVar aggregate classification (germline): Likely benign (0 of 4 stars; one submission).

Conditions:
FGF9-related disorder. Also called: FGF9-related condition.

gnomAD v4.1: 1 of 1,613,998 alleles (0.000062%); highest among the groups gnomAD compares: Non-Finnish European, 0.000085%; no homozygotes.

Submission:

PreventionGenetics, part of Exact Sciences
Classification: Likely benign for FGF9-related condition. Last evaluated: 2023-09-07. Review status: no assertion criteria provided. Collection method: clinical testing. Allele origin: germline.
Comment: This variant is classified as likely benign based on ACMG/AMP sequence variant interpretation guidelines (Richards et al. 2015 PMID: 25741868, with internal and published modifications).

NM_002010.3(FGF9):c.*7C>T

Gene: FGF9 (fibroblast growth factor 9; plus strand). Cytogenetic location: 13q12.11.
Variant type: single nucleotide variant.
Coding change: c.*7C>T on transcript NM_002010.3 (MANE Select); 7 bases downstream of the stop codon, C replaced by T.
Molecular consequence: 3 prime UTR variant.
Genome position (GRCh38, 1-based): chr13:21,701,442, C>T. VCF-style: chr13-21701442-C-T. GRCh37 (hg19) VCF-style: chr13-22275581-C-T.
Identifiers: ClinVar variation 3049555 (VCV003049555.2), dbSNP rs769804339, ClinGen allele CA2622318856.
Genomic context (GRCh38, chr13:21,701,442, plus strand): 5'-GTGGACCCCGACAAAGTACCTGAACTGTATAAGGATATTCTAAGCCAAAGTTGACAAAGA[C>T]AGTTTCTTCACTTGAGCCCTTAAAAAAGTAACCACTATAAAGGTTTCACGCGGTGGGTTC-3'